The following is an entry in ClinVar:

NM_020320.5(RARS2):c.1586+873C>G

Gene: RARS2 (arginyl-tRNA synthetase 2, mitochondrial; minus strand). Cytogenetic location: 6q15.
Variant type: single nucleotide variant.
Coding change: c.1586+873C>G on transcript NM_020320.5 (MANE Select); 873 bases into the intron after coding-DNA position 1586, C replaced by G.
Molecular consequence: intron variant.
Genome position (GRCh38, 1-based): chr6:87,515,933, G>C on the plus strand (C>G on the coding strand, the complement: RARS2 is on the minus strand). VCF-style: chr6-87515933-G-C. GRCh37 (hg19) VCF-style: chr6-88225651-G-C.
Other names: c.1586+873C>G (NM_001350505.2); c.1061+873C>G (NM_001350509.2, NM_001318785.2, NM_001350506.2 and 4 more transcripts).
Identifiers: ClinVar variation 3024956 (VCV003024956.22), dbSNP rs80355284, ClinGen allele CA142839843.

ClinVar aggregate classification (germline): Likely benign (1 of 4 stars; one submission).

Allele frequency attached by ClinVar (database versions not stated): 1000 Genomes Project 0.00040; 1000 Genomes Project 30x 0.00141; gnomAD 0.00395.

Submission:

CeGaT Center for Human Genetics Tuebingen
Classification: Likely benign. Last evaluated: 2026-06-01. Review status: criteria provided, single submitter. Criteria: CeGaT Center For Human Genetics Tuebingen Variant Classification Criteria Version 2. Collection method: clinical testing. Allele origin: germline. Affected: yes. Observed: 6 variant alleles.
Comment: RARS2: BS2